The following is an entry in ClinVar:

NM_000038.6(APC):c.6222A>G (p.Glu2074=)

Gene: APC (APC regulator of Wnt signaling pathway; plus strand). Cytogenetic location: 5q22.2.
Variant type: single nucleotide variant.
Coding change: c.6222A>G on transcript NM_000038.6 (MANE Select); coding-DNA position 6222, A replaced by G.
Protein change: p.Glu2074=; no amino-acid change (glutamic acid 2074 retained).
Molecular consequence: synonymous variant.
Genome position (GRCh38, 1-based): chr5:112,841,816, A>G. VCF-style: chr5-112841816-A-G. GRCh37 (hg19) VCF-style: chr5-112177513-A-G.
Other names: c.6138A>G, p.Glu2046= (NM_001354899.2); c.6099A>G, p.Glu2033= (NM_001354900.2); c.6045A>G, p.Glu2015= (NM_001354901.2); c.5949A>G, p.Glu1983= (NM_001354902.2); c.5919A>G, p.Glu1973= (NM_001354903.2); c.5844A>G, p.Glu1948= (NM_001354904.2); c.5742A>G, p.Glu1914= (NM_001354905.2); c.5373A>G, p.Glu1791= (NM_001354906.2); and 5 more.
Identifiers: ClinVar variation 650352 (VCV000650352.12), dbSNP rs1284434276, ClinGen allele CA446209451.

ClinVar aggregate classification (germline): Benign/Likely benign. Review status: criteria provided, multiple submitters, no conflicts (2 of 4 stars). 3 submissions from 3 submitters: Benign (1); Likely benign (2). Last evaluated 2025-08-24.

Conditions:
Familial adenomatous polyposis 1 (FAP1). Also called: FAMILIAL ADENOMATOUS POLYPOSIS 1, ATTENUATED; POLYPOSIS, ADENOMATOUS INTESTINAL. Identifiers: MedGen C2713442, MONDO:0021056, OMIM 175100. Disease mechanism: loss of function.
Hereditary cancer-predisposing syndrome. Also called: Neoplastic Syndromes, Hereditary; Tumor predisposition; Hereditary Cancer Syndrome; Hereditary neoplastic syndrome. Identifiers: Orphanet 140162, MedGen C0027672, MeSH D009386, MONDO:0015356.

Allele frequency attached by ClinVar (database versions not stated): gnomAD exomes below 0.00001.
gnomAD v4.1: 1 of 1,614,024 alleles (0.000062%); highest among the groups gnomAD compares: African/African-American, 0.0013%; no homozygotes.

Submissions (3):

Labcorp Genetics (formerly Invitae), Labcorp
Classification: Likely benign for Familial adenomatous polyposis 1. Last evaluated: 2025-08-24. Review status: criteria provided, single submitter. Criteria: Invitae Variant Classification Sherloc (09022015). Collection method: clinical testing. Allele origin: germline.

Ambry Genetics
Classification: Likely benign for Hereditary cancer-predisposing syndrome. Last evaluated: 2024-04-16. Review status: criteria provided, single submitter. Criteria: Ambry Variant Classification Scheme 2023. Collection method: clinical testing. Allele origin: germline.

Myriad Genetics, Inc.
Classification: Benign for Familial adenomatous polyposis 1. Last evaluated: 2024-04-04. Review status: criteria provided, single submitter. Criteria: Myriad Autosomal Dominant, Autosomal Recessive and X-Linked Classification Criteria (2023). Collection method: clinical testing. Allele origin: unknown.
Comment: This variant is considered benign. This variant is a silent/synonymous amino acid change and it is not expected to impact splicing.